The following is an entry in ClinVar:

NM_020774.4(MIB1):c.2779+8G>A

Gene: MIB1 (MIB E3 ubiquitin protein ligase 1; plus strand). Cytogenetic location: 18q11.2.
Variant type: single nucleotide variant.
Coding change: c.2779+8G>A on transcript NM_020774.4 (MANE Select); 8 bases into the intron after coding-DNA position 2779, G replaced by A.
Molecular consequence: intron variant.
Genome position (GRCh38, 1-based): chr18:21,857,251, G>A. VCF-style: chr18-21857251-G-A. GRCh37 (hg19) VCF-style: chr18-19437212-G-A.
Identifiers: ClinVar variation 511324 (VCV000511324.6), dbSNP rs148003129, ClinGen allele CA8908692.

ClinVar aggregate classification (germline): Likely benign. Review status: criteria provided, single submitter (1 of 4 stars). 4 submissions from 4 submitters: Likely benign (1). 3 of the submissions do not count toward it. Last evaluated 2017-08-04.

Conditions:
MIB1-related disorder. Also called: MIB1-related condition.

Allele frequency attached by ClinVar (database versions not stated): ESP Exome Variant Server 0.00023; gnomAD exomes 0.00024 and 0.00063; ExAC 0.00026; TOPMed 0.00029; 1000 Genomes Project 30x 0.00031; gnomAD 0.00034; 1000 Genomes Project 0.00040.
gnomAD v4.1: 980 of 1,594,230 alleles (0.061%); highest among the groups gnomAD compares: Non-Finnish European, 0.078%; no homozygotes.

Submissions (4):

GeneDx
Classification: Likely benign. Last evaluated: 2017-08-04. Review status: criteria provided, single submitter. Criteria: GeneDx Variant Classification (06012015). Collection method: clinical testing. Allele origin: germline. Affected: yes.
Comment: This variant is considered likely benign or benign based on one or more of the following criteria: it is a conservative change, it occurs at a poorly conserved position in the protein, it is predicted to be benign by multiple in silico algorithms, and/or has population frequency not consistent with disease.

PreventionGenetics, part of Exact Sciences
Classification: Likely benign for MIB1-related condition. Last evaluated: 2023-12-27. Review status: no assertion criteria provided. Collection method: clinical testing. Allele origin: germline. Not counted in ClinVar's aggregate classification.
Comment: This variant is classified as likely benign based on ACMG/AMP sequence variant interpretation guidelines (Richards et al. 2015 PMID: 25741868, with internal and published modifications).

Clinical Genetics DNA and cytogenetics Diagnostics Lab, Erasmus MC, Erasmus Medical Center
Classification: Likely benign. Review status: no assertion criteria provided. Collection method: clinical testing. Allele origin: germline. Affected: yes. Study: VKGL Data-share Consensus. Not counted in ClinVar's aggregate classification.

Joint Genome Diagnostic Labs from Nijmegen and Maastricht, Radboudumc and MUMC+
Classification: Likely benign. Review status: no assertion criteria provided. Collection method: clinical testing. Allele origin: germline. Affected: yes. Study: VKGL Data-share Consensus. Not counted in ClinVar's aggregate classification.